The following is an entry in ClinVar:

NM_015102.5(NPHP4):c.7G>T (p.Asp3Tyr)

Gene: NPHP4 (nephrocystin 4; minus strand). Cytogenetic location: 1p36.31.
Variant type: single nucleotide variant.
Coding change: c.7G>T on transcript NM_015102.5 (MANE Select); coding-DNA position 7, G replaced by T.
Protein change: p.Asp3Tyr; replaces aspartic acid 3 with tyrosine.
Molecular consequence: missense variant. On other transcripts: 5 prime UTR variant (1), non-coding transcript variant (1), intron variant (1).
Genome position (GRCh38, 1-based): chr1:5,986,283, C>A on the plus strand (G>T on the coding strand, the complement: NPHP4 is on the minus strand). VCF-style: chr1-5986283-C-A. GRCh37 (hg19) VCF-style: chr1-6046343-C-A.
Other names: c.-1223G>T (NM_001291593.2); c.-1088+5961G>T (NM_001291594.2); short protein forms D3Y.
Identifiers: ClinVar variation 695555 (VCV000695555.20), dbSNP rs145078518, ClinGen allele CA554967.

ClinVar aggregate classification (germline): Conflicting classifications of pathogenicity. Review status: criteria provided, conflicting classifications (1 of 4 stars). 7 submissions from 6 submitters: Uncertain significance (5); Likely benign (1). 1 of the submissions does not count toward it. Last evaluated 2025-11-19.

Conditions:
Nephronophthisis 4 (NPHP4). Also called: NEPHRONOPHTHISIS 4, JUVENILE. Identifiers: Orphanet 655, MedGen C1847013, MONDO:0011752, OMIM 606966.
Senior-Loken syndrome 4 (SLSN4). Identifiers: Orphanet 3156, MedGen C1846979, MONDO:0011756, OMIM 606996.
NPHP4-related disorder. Also called: NPHP4-related disorders; NPHP4-related condition. Identifiers: MedGen CN239384.
Retinal dystrophy. Also called: Inherited retinal dystrophy. Identifiers: Orphanet 71862, MedGen C0854723, MeSH D058499, MONDO:0019118, HP:0000556.
Nephronophthisis. Also called: Juvenile Nephronophthisis. Identifiers: Orphanet 655, MedGen C0687120, MONDO:0019005, HP:0000090.

Allele frequency attached by ClinVar (database versions not stated): 1000 Genomes Project 30x 0.00016; TOPMed 0.00029; ESP Exome Variant Server 0.00032; gnomAD 0.00057.

Submissions (7):

Labcorp Genetics (formerly Invitae), Labcorp
Classification: Likely benign for Nephronophthisis. Last evaluated: 2025-11-19. Review status: criteria provided, single submitter. Criteria: Invitae Variant Classification Sherloc (09022015). Collection method: clinical testing. Allele origin: germline.

Blueprint Genetics
Classification: Uncertain significance. Last evaluated: 2024-11-13. Review status: criteria provided, single submitter. Criteria: ACMG Guidelines, 2015. Collection method: clinical testing. Allele origin: germline.

Fulgent Genetics
Classification: Uncertain significance for Nephronophthisis 4; Senior-Loken syndrome 4. Last evaluated: 2024-05-06. Review status: criteria provided, single submitter. Criteria: ACMG Guidelines, 2015. Collection method: clinical testing. Allele origin: germline.

Institute of Human Genetics, Univ. Regensburg, Univ. Regensburg
Classification: Uncertain significance for Retinal dystrophy. Last evaluated: 2022-01-01. Review status: criteria provided, single submitter. Criteria: ACMG Guidelines, 2015. Collection method: clinical testing. Allele origin: germline. Affected: yes.

Illumina Laboratory Services, Illumina
Classification: Uncertain significance for Nephronophthisis 4. Last evaluated: 2017-04-27. Review status: criteria provided, single submitter. Criteria: ICSL Variant Classification Criteria 13 December 2019. Collection method: clinical testing. Allele origin: germline.
Comment: This variant was observed as part of a predisposition screen in an ostensibly healthy population. A literature search was performed for the gene, cDNA change, and amino acid change (where applicable). Publications were found based on this search. However, the evidence from the literature, in combination with allele frequency data from public databases where available, was not sufficient to rule this variant in or out of causing disease. Therefore, this variant is classified as a variant of unknown significance.

Illumina Laboratory Services, Illumina
Classification: Uncertain significance for Senior-Loken syndrome 4. Last evaluated: 2017-04-27. Review status: criteria provided, single submitter. Criteria: ICSL Variant Classification Criteria 13 December 2019. Collection method: clinical testing. Allele origin: germline.

PreventionGenetics, part of Exact Sciences
Classification: Uncertain significance for NPHP4-related condition. Last evaluated: 2024-03-04. Review status: no assertion criteria provided. Collection method: clinical testing. Allele origin: germline. Not counted in ClinVar's aggregate classification.
Comment: The NPHP4 c.7G>T variant is predicted to result in the amino acid substitution p.Asp3Tyr. This variant has been reported in two German families with nephronophthisis, but a second plausible pathogenic NPHP4 variant was not found in these families (Hoefele et al. 2005. PubMed ID: 15776426). Functional studies suggested that this variant is weakly hypomorphic or neutral (D3Y at Masyukova et al. 2011. PubMed ID: 21546380). This variant is reported in 0.073% of alleles in individuals of European (Non-Finnish) descent in gnomAD. At this time, the clinical significance of this variant is uncertain due to the absence of conclusive functional and genetic evidence.

Literature cited by the submitters: PubMed 15776426 (cited by Institute of Human Genetics, Univ. Regensburg, Univ. Regensburg and Illumina Laboratory Services, Illumina); PubMed 21546380 (cited by Institute of Human Genetics, Univ. Regensburg, Univ. Regensburg and Illumina Laboratory Services, Illumina); PubMed 34426522 (cited by Institute of Human Genetics, Univ. Regensburg, Univ. Regensburg).